The following is an entry in ClinVar:

ClinVar aggregate classification (germline): Uncertain significance (1 of 4 stars; one submission).

Submission:

GeneDx
Classification: Uncertain significance. Last evaluated: 2026-04-22. Review status: criteria provided, single submitter. Criteria: GeneDx Variant Classification Process June 2021. Collection method: clinical testing. Allele origin: germline.
Comment: Not observed at significant frequency in large population cohorts (gnomAD); In silico analysis supports that this missense variant has a deleterious effect on protein structure/function; Has not been previously published as pathogenic or benign to our knowledge

NM_024721.5(ZFHX4):c.1988T>A (p.Met663Lys)

Gene: ZFHX4 (zinc finger homeobox 4; plus strand). Cytogenetic location: 8q21.13.
Variant type: single nucleotide variant.
Coding change: c.1988T>A on transcript NM_024721.5 (MANE Select); coding-DNA position 1988, T replaced by A.
Protein change: p.Met663Lys; replaces methionine 663 with lysine.
Molecular consequence: missense variant.
Genome position (GRCh38, 1-based): chr8:76,706,076, T>A. VCF-style: chr8-76706076-T-A. GRCh37 (hg19) VCF-style: chr8-77618311-T-A.
Other names: c.1988T>A, p.Met663Lys (NM_001410934.1); short protein forms M663K.
Identifiers: ClinVar variation 5037586 (VCV005037586.1).